The following is an entry in ClinVar:

ClinVar aggregate classification (germline): Conflicting classifications of pathogenicity. Review status: criteria provided, conflicting classifications (1 of 4 stars). 2 submissions from 2 submitters: Uncertain significance (1); Likely benign (1). Last evaluated 2022-01-18.

Conditions:
Inborn genetic diseases. Identifiers: MedGen C0950123, MeSH D030342.
Hypohidrotic ectodermal dysplasia (HED). Identifiers: Orphanet 238468, MedGen C5848103, MONDO:0016535, HP:0007607.

Allele frequency attached by ClinVar (database versions not stated): gnomAD exomes 0.00001; ExAC 0.00002.
gnomAD v4.1: 16 of 1,611,808 alleles (0.00099%); highest among the groups gnomAD compares: East Asian, 0.033%; no homozygotes.

Submissions (2):

Ambry Genetics
Classification: Uncertain significance for Inborn genetic diseases. Last evaluated: 2022-01-18. Review status: criteria provided, single submitter. Criteria: Ambry Variant Classification Scheme 2023. Collection method: clinical testing. Allele origin: germline.

Illumina Laboratory Services, Illumina
Classification: Likely benign for Hypohidrotic ectodermal dysplasia. Last evaluated: 2018-01-12. Review status: criteria provided, single submitter. Criteria: ICSL Variant Classification Criteria 13 December 2019. Collection method: clinical testing. Allele origin: germline.
Comment: This variant was observed in the ICSL laboratory as part of a predisposition screen in an ostensibly healthy population. It had not been previously curated by ICSL or reported in the Human Gene Mutation Database (HGMD: prior to June 1st, 2018), and was therefore a candidate for classification through an automated scoring system. Utilizing variant allele frequency, disease prevalence and penetrance estimates, and inheritance mode, an automated score was calculated to assess if this variant is too frequent to cause the disease. Based on the score and internal cut-off values, a variant classified as likely benign is not then subjected to further curation. The score for this variant resulted in a classification of likely benign for this disease.

NM_145861.4(EDARADD):c.115A>G (p.Asn39Asp)

Gene: EDARADD (EDAR associated via death domain; plus strand). Cytogenetic location: 1q43.
Variant type: single nucleotide variant.
Coding change: c.115A>G on transcript NM_145861.4 (MANE Select); coding-DNA position 115, A replaced by G.
Protein change: p.Asn39Asp; replaces asparagine 39 with aspartic acid.
Molecular consequence: missense variant.
Genome position (GRCh38, 1-based): chr1:236,409,269, A>G. VCF-style: chr1-236409269-A-G. GRCh37 (hg19) VCF-style: chr1-236572569-A-G.
Other names: c.49A>G, p.Asn17Asp (NM_001422628.1); c.85A>G, p.Asn29Asp (NM_080738.5); short protein forms N39D, N29D, N17D.
Identifiers: ClinVar variation 296448 (VCV000296448.8), dbSNP rs759461234, ClinGen allele CA1469956.
Genomic context (GRCh38, chr1:236,409,269, plus strand): 5'-TTTACAGATCATATGGTAAAGGAACCAGTGGAAGACACAGACCCTAGCACTTTATCCTTT[A>G]ATATGGTAGGTGACAAATTTTACACTAATGGTGATAATTATTGTTTTGCTTTTTTTCTTT-3'
Protein context (NP_665860.2, residues 29-49): EDTDPSTLSF[Asn39Asp]MSDKYPIQDT